The following is an entry in ClinVar:

NM_003183.6(ADAM17):c.2240C>T (p.Ser747Leu)

Genes: ADAM17 (ADAM metallopeptidase domain 17; minus strand), IAH1 (isoamyl acetate hydrolyzing esterase 1 (putative); plus strand). Cytogenetic location: 2p25.1.
Variant type: single nucleotide variant.
Coding change: c.2240C>T on transcript NM_003183.6 (MANE Select); coding-DNA position 2240, C replaced by T.
Protein change: p.Ser747Leu; replaces serine 747 with leucine.
Molecular consequence: missense variant.
Genome position (GRCh38, 1-based): chr2:9,490,412, G>A on the plus strand (C>T on the coding strand, the complement: ADAM17 is on the minus strand). VCF-style: chr2-9490412-G-A. GRCh37 (hg19) VCF-style: chr2-9630541-G-A.
Other names: p.Ser747Leu; c.1580C>T, p.Ser527Leu (NM_001382777.1); c.1343C>T, p.Ser448Leu (NM_001382778.1); short protein forms S448L, S527L, S747L.
Identifiers: ClinVar variation 1166121 (VCV001166121.41), dbSNP rs55796712, ClinGen allele CA1523257.

ClinVar aggregate classification (germline): Benign/Likely benign. Review status: criteria provided, multiple submitters, no conflicts (2 of 4 stars). 7 submissions from 7 submitters: Benign (4); Likely benign (3). Last evaluated 2026-09-01.

Conditions:
Inflammatory skin and bowel disease, neonatal, 1. Identifiers: Orphanet 294023, MedGen C3280501, MONDO:0013693, OMIM 614328.

Allele frequency attached by ClinVar (database versions not stated): 1000 Genomes Project 30x 0.00531; 1000 Genomes Project 0.00539; gnomAD 0.01028 and 0.01113; gnomAD exomes 0.01166 and 0.01417; ExAC 0.01198; TOPMed 0.01204; ESP Exome Variant Server 0.01330.
gnomAD v4.1: 22,408 of 1,614,154 alleles (1.4%); highest among the groups gnomAD compares: Middle Eastern, 2.9%; 221 homozygotes.

Submissions (7):

CeGaT Center for Human Genetics Tuebingen
Classification: Benign. Last evaluated: 2026-09-01. Review status: criteria provided, single submitter. Criteria: CeGaT Center For Human Genetics Tuebingen Variant Classification Criteria Version 2. Collection method: clinical testing. Allele origin: germline. Affected: yes. Observed: 54 variant alleles.
Comment: ADAM17: BP4, BS1, BS2

Labcorp Genetics (formerly Invitae), Labcorp
Classification: Benign for Inflammatory skin and bowel disease, neonatal, 1. Last evaluated: 2026-02-03. Review status: criteria provided, single submitter. Criteria: Invitae Variant Classification Sherloc (09022015). Collection method: clinical testing. Allele origin: germline.

Women's Health and Genetics/Laboratory Corporation of America, LabCorp
Classification: Likely benign. Last evaluated: 2026-01-22. Review status: criteria provided, single submitter. Criteria: LabCorp Variant Classification Summary - May 2015. Collection method: clinical testing. Allele origin: germline.

Blueprint Genetics
Classification: Likely benign. Last evaluated: 2024-11-26. Review status: criteria provided, single submitter. Criteria: ACMG Guidelines, 2015. Collection method: clinical testing. Allele origin: germline.

Fulgent Genetics
Classification: Likely benign for Inflammatory skin and bowel disease, neonatal, 1. Last evaluated: 2021-09-21. Review status: criteria provided, single submitter. Criteria: ACMG Guidelines, 2015. Collection method: clinical testing. Allele origin: unknown.

Mayo Clinic Laboratories, Mayo Clinic
Classification: Benign. Last evaluated: 2021-06-16. Review status: criteria provided, single submitter. Criteria: ACMG Guidelines, 2015. Collection method: clinical testing. Allele origin: germline. Observed: 26 variant alleles.

Breakthrough Genomics
Classification: Benign. Review status: criteria provided, single submitter. Criteria: ACMG Guidelines, 2015. Collection method: not provided. Allele origin: germline. Inheritance: Autosomal recessive inheritance. Affected: yes.